The following is an entry in ClinVar:

ClinVar aggregate classification (germline): Pathogenic (1 of 4 stars; one submission).

Conditions:
Hereditary hemorrhagic telangiectasia (HHT). Also called: ORW DISEASE; Osler Weber Rendu syndrome; OSLER-RENDU-WEBER DISEASE; Osler hemorrhagic telangiectasia syndrome. Identifiers: Orphanet 774, MedGen C0039445, MONDO:0019180. Disease mechanism: loss of function.

Submission:

Labcorp Genetics (formerly Invitae), Labcorp
Classification: Pathogenic for Hereditary hemorrhagic telangiectasia. Last evaluated: 2025-11-19. Review status: criteria provided, single submitter. Criteria: Invitae Variant Classification Sherloc (09022015). Collection method: clinical testing. Allele origin: germline.
Comment: This sequence change affects a splice site in intron 10 of the ENG gene. It is expected to disrupt RNA splicing. Variants that disrupt the donor or acceptor splice site typically lead to a loss of protein function (PMID: 16199547), and loss-of-function variants in ENG are known to be pathogenic (PMID: 15879500). This variant is not present in population databases (gnomAD no frequency). Disruption of this splice site has been observed in individual(s) with clinical features of hereditary hemorrhagic telangiectasia (internal data). Algorithms developed to predict the effect of sequence changes on RNA splicing suggest that this variant may disrupt the consensus splice site. For these reasons, this variant has been classified as Pathogenic.

Literature cited by the submitters: PubMed 16199547; PubMed 15879500.

NM_001114753.3(ENG):c.1312-2del

Genes: ENG (endoglin; minus strand), LOC102723566 (uncharacterized LOC102723566; plus strand). Cytogenetic location: 9q34.11.
Variant type: Deletion.
Coding change: c.1312-2del on transcript NM_001114753.3 (MANE Select); the canonical splice acceptor site of the intron before coding-DNA position 1312, one base deleted (A; older notation c.1312-2delA).
Molecular consequence: splice acceptor variant.
Genome position (GRCh38, 1-based): chr9:127,818,834, T deleted on the plus strand (A on the coding strand, the reverse complement: ENG is on the minus strand). VCF-style (leftmost placement, unchanged base first): chr9-127818833-CT-C. GRCh37 (hg19) VCF-style: chr9-130581112-CT-C.
Other names: c.1312-2del (NM_000118.4); c.766-2del (NM_001278138.2).
Identifiers: ClinVar variation 4731385 (VCV004731385.1).